The following is an entry in ClinVar:

ClinVar aggregate classification (germline): Uncertain significance (1 of 4 stars; one submission).

Conditions:
RASopathy. Also called: Noonan spectrum disorder; rasopathies. Identifiers: Orphanet 536391, MedGen C5555857, MONDO:0021060.

Submission:

Labcorp Genetics (formerly Invitae), Labcorp
Classification: Uncertain significance for RASopathy. Last evaluated: 2022-08-31. Review status: criteria provided, single submitter. Criteria: Invitae Variant Classification Sherloc (09022015). Collection method: clinical testing. Allele origin: germline.
Comment: In summary, the available evidence is currently insufficient to determine the role of this variant in disease. Therefore, it has been classified as a Variant of Uncertain Significance. ClinVar contains an entry for this variant (Variation ID: 1003171). Algorithms developed to predict the effect of missense changes on protein structure and function (SIFT, PolyPhen-2, Align-GVGD) all suggest that this variant is likely to be tolerated. This variant has not been reported in the literature in individuals affected with SHOC2-related conditions. This variant is not present in population databases (gnomAD no frequency). This sequence change replaces glycine, which is neutral and non-polar, with arginine, which is basic and polar, at codon 80 of the SHOC2 protein (p.Gly80Arg).

NM_007373.4(SHOC2):c.238G>A (p.Gly80Arg)

Gene: SHOC2 (SHOC2 leucine rich repeat scaffold protein; plus strand). Cytogenetic location: 10q25.2.
Variant type: single nucleotide variant.
Coding change: c.238G>A on transcript NM_007373.4 (MANE Select); coding-DNA position 238, G replaced by A.
Protein change: p.Gly80Arg; replaces glycine 80 with arginine.
Molecular consequence: missense variant.
Genome position (GRCh38, 1-based): chr10:110,964,596, G>A. VCF-style: chr10-110964596-G-A. GRCh37 (hg19) VCF-style: chr10-112724354-G-A.
Other names: c.238G>A, p.Gly80Arg (NM_001269039.3, NM_001324336.2, NM_001324337.2); short protein forms G80R.
Identifiers: ClinVar variation 1003171 (VCV001003171.8), dbSNP rs1847637531, ClinGen allele CA378382881.